The following is an entry in ClinVar:

NM_012210.4(TRIM32):c.1720G>T (p.Asp574Tyr)

Genes: ASTN2 (astrotactin 2; minus strand), TRIM32 (tripartite motif containing 32; plus strand). Cytogenetic location: 9q33.1.
Variant type: single nucleotide variant.
Coding change: c.1720G>T on transcript NM_012210.4 (MANE Select); coding-DNA position 1720, G replaced by T.
Protein change: p.Asp574Tyr; replaces aspartic acid 574 with tyrosine.
Molecular consequence: missense variant. On other transcripts: intron variant (3).
Genome position (GRCh38, 1-based): chr9:116,699,462, G>T. VCF-style: chr9-116699462-G-T. GRCh37 (hg19) VCF-style: chr9-119461741-G-T.
Other names: c.1720G>T, p.Asp574Tyr (NM_001099679.2, NM_001379048.1, NM_001379049.1 and 1 more transcripts); c.2653+26309C>A (NM_014010.5); c.2794+26309C>A (NM_001365069.1); c.2806+26309C>A (NM_001365068.1); short protein forms D574Y.
Identifiers: ClinVar variation 364720 (VCV000364720.8), dbSNP rs886063379, ClinGen allele CA10628857.

ClinVar aggregate classification (germline): Uncertain significance. Review status: criteria provided, multiple submitters, no conflicts (2 of 4 stars). 3 submissions from 2 submitters: Uncertain significance (3). Last evaluated 2026-06-27.

Conditions:
TRIM32-related disorder. Also called: TRIM32-related condition.
Sarcotubular myopathy (LGMDR8). Also called: Hutterite type of muscular dystrophy; Limb-girdle muscular dystrophy, type 2H; Autosomal recessive limb-girdle muscular dystrophy type 2H; MUSCULAR DYSTROPHY, LIMB-GIRDLE, AUTOSOMAL RECESSIVE 8. Identifiers: Orphanet 1878, MedGen C0270968, MONDO:0009683, OMIM 254110.
Bardet-Biedl syndrome 11 (BBS11). Identifiers: Orphanet 110, MedGen C1859569, MONDO:0014439, OMIM 615988.

Allele frequency attached by ClinVar (database versions not stated): gnomAD exomes below 0.00001 and 0.00001; TOPMed 0.00001; gnomAD 0.00002 and 0.00003.
gnomAD v4.1: 11 of 1,614,096 alleles (0.00068%); highest among the groups gnomAD compares: Admixed American, 0.0017%; no homozygotes.

Submissions (3):

PreventionGenetics, part of Exact Sciences
Classification: Uncertain significance for TRIM32-related condition. Last evaluated: 2026-06-27. Review status: criteria provided, single submitter. Criteria: ACMG Guidelines, 2015. Collection method: clinical testing. Allele origin: germline.
Comment: The TRIM32 c.1720G>T variant is predicted to result in the amino acid substitution p.Asp574Tyr. To our knowledge, this variant has not been reported in the literature. This variant is reported in 0.0058% of alleles in individuals of Latino descent in gnomAD. At this time, the clinical significance of this variant is uncertain due to the absence of conclusive functional and genetic evidence.

Illumina Laboratory Services, Illumina
Classification: Uncertain significance for Sarcotubular myopathy. Last evaluated: 2018-01-13. Review status: criteria provided, single submitter. Criteria: ICSL Variant Classification Criteria 13 December 2019. Collection method: clinical testing. Allele origin: germline.

Illumina Laboratory Services, Illumina
Classification: Uncertain significance for Bardet-Biedl syndrome 11. Last evaluated: 2018-01-13. Review status: criteria provided, single submitter. Criteria: ICSL Variant Classification Criteria 13 December 2019. Collection method: clinical testing. Allele origin: germline.